The following is an entry in ClinVar:

NM_000217.3(KCNA1):c.767T>G (p.Phe256Cys)

Gene: KCNA1 (potassium voltage-gated channel subfamily A member 1; plus strand). Cytogenetic location: 12p13.32.
Variant type: single nucleotide variant.
Coding change: c.767T>G on transcript NM_000217.3 (MANE Select); coding-DNA position 767, T replaced by G.
Protein change: p.Phe256Cys; replaces phenylalanine 256 with cysteine.
Molecular consequence: missense variant.
Genome position (GRCh38, 1-based): chr12:4,912,145, T>G. VCF-style: chr12-4912145-T-G. GRCh37 (hg19) VCF-style: chr12-5021311-T-G.
Other names: short protein forms F256C.
Identifiers: ClinVar variation 2864740 (VCV002864740.3), dbSNP rs2497353101, ClinGen allele CA383455294.

ClinVar aggregate classification (germline): Uncertain significance (1 of 4 stars; one submission).

Conditions:
Episodic ataxia type 1 (EA1). Also called: Episodic ataxia/myokymia syndrome; ATAXIA, EPISODIC, WITH MYOKYMIA; MYOKYMIA WITH PERIODIC ATAXIA; PAROXYSMAL ATAXIA WITH NEUROMYOTONIA, HEREDITARY. Identifiers: Orphanet 37612, Orphanet 972, MedGen C1719788, MONDO:0008047, OMIM 160120.

Submission:

Labcorp Genetics (formerly Invitae), Labcorp
Classification: Uncertain significance for Episodic ataxia type 1. Last evaluated: 2023-05-16. Review status: criteria provided, single submitter. Criteria: Invitae Variant Classification Sherloc (09022015). Collection method: clinical testing. Allele origin: germline.
Comment: In summary, the available evidence is currently insufficient to determine the role of this variant in disease. Therefore, it has been classified as a Variant of Uncertain Significance. Advanced modeling of protein sequence and biophysical properties (such as structural, functional, and spatial information, amino acid conservation, physicochemical variation, residue mobility, and thermodynamic stability) performed at Invitae indicates that this missense variant is not expected to disrupt KCNA1 protein function. This variant has not been reported in the literature in individuals affected with KCNA1-related conditions. This variant is not present in population databases (gnomAD no frequency). This sequence change replaces phenylalanine, which is neutral and non-polar, with cysteine, which is neutral and slightly polar, at codon 256 of the KCNA1 protein (p.Phe256Cys).